The following is an entry in ClinVar:

ClinVar aggregate classification (germline): Uncertain significance. Review status: criteria provided, multiple submitters, no conflicts (2 of 4 stars). 4 submissions from 3 submitters: Uncertain significance (4). Last evaluated 2025-07-07.

Conditions:
Adams-Oliver syndrome 5 (AOS5). Identifiers: Orphanet 974, MedGen C4014970, MONDO:0014459, OMIM 616028.
Aortic valve disease 1 (AOVD1). Identifiers: MedGen C3887892, MONDO:0024523, OMIM 109730.

gnomAD v4.1: 39 of 1,594,960 alleles (0.0024%); highest among the groups gnomAD compares: Non-Finnish European, 0.0033%; no homozygotes.

Submissions (4):

Labcorp Genetics (formerly Invitae), Labcorp
Classification: Uncertain significance for Adams-Oliver syndrome 5. Last evaluated: 2025-07-07. Review status: criteria provided, single submitter. Criteria: Invitae Variant Classification Sherloc (09022015). Collection method: clinical testing. Allele origin: germline.
Comment: This sequence change replaces arginine, which is basic and polar, with proline, which is neutral and non-polar, at codon 1350 of the NOTCH1 protein (p.Arg1350Pro). This variant is present in population databases (rs150343794, gnomAD 0.002%). This variant has not been reported in the literature in individuals affected with NOTCH1-related conditions. ClinVar contains an entry for this variant (Variation ID: 544187). Invitae Evidence Modeling of protein sequence and biophysical properties (such as structural, functional, and spatial information, amino acid conservation, physicochemical variation, residue mobility, and thermodynamic stability) indicates that this missense variant is not expected to disrupt NOTCH1 protein function with a negative predictive value of 80%. In summary, the available evidence is currently insufficient to determine the role of this variant in disease. Therefore, it has been classified as a Variant of Uncertain Significance.

Genome-Nilou Lab
Classification: Uncertain significance for Adams-Oliver syndrome 5. Last evaluated: 2022-03-15. Review status: criteria provided, single submitter. Criteria: ACMG Guidelines, 2015. Collection method: clinical testing. Allele origin: germline. Affected: no.

Genome-Nilou Lab
Classification: Uncertain significance for Aortic valve disease 1. Last evaluated: 2022-03-15. Review status: criteria provided, single submitter. Criteria: ACMG Guidelines, 2015. Collection method: clinical testing. Allele origin: germline. Affected: no.

GeneDx
Classification: Uncertain significance. Last evaluated: 2021-10-06. Review status: criteria provided, single submitter. Criteria: GeneDx Variant Classification Process June 2021. Collection method: clinical testing. Allele origin: germline. Affected: yes.
Comment: Has not been previously published as pathogenic or benign to our knowledge; Not observed at a significant frequency in large population cohorts (Lek et al., 2016); In silico analysis supports that this missense variant has a deleterious effect on protein structure/function; Reported in ClinVar as a variant of uncertain significance (ClinVar Variant ID# 544187; Landrum et al., 2016)

NM_017617.5(NOTCH1):c.4049G>C (p.Arg1350Pro)

Gene: NOTCH1 (notch receptor 1; minus strand). Cytogenetic location: 9q34.3.
Variant type: single nucleotide variant.
Coding change: c.4049G>C on transcript NM_017617.5 (MANE Select); coding-DNA position 4049, G replaced by C.
Protein change: p.Arg1350Pro; replaces arginine 1350 with proline.
Molecular consequence: missense variant.
Genome position (GRCh38, 1-based): chr9:136,505,847, C>G on the plus strand (G>C on the coding strand, the complement: NOTCH1 is on the minus strand). VCF-style: chr9-136505847-C-G. GRCh37 (hg19) VCF-style: chr9-139400299-C-G.
Other names: c.4049G>C, p.Arg1350Pro (LRG_1122t1); short protein forms R1350P.
Identifiers: ClinVar variation 544187 (VCV000544187.11), dbSNP rs150343794, ClinGen allele CA5340700.